The following is an entry in ClinVar:

ClinVar aggregate classification (germline): Uncertain significance. Review status: criteria provided, multiple submitters, no conflicts (2 of 4 stars). 3 submissions from 3 submitters: Uncertain significance (3). Last evaluated 2025-01-26.

Conditions:
Inborn genetic diseases. Identifiers: MedGen C0950123, MeSH D030342.

Allele frequency attached by ClinVar (database versions not stated): gnomAD exomes 0.00001; gnomAD 0.00002; TOPMed 0.00003.
gnomAD v4.1: 13 of 1,580,380 alleles (0.00082%); highest among the groups gnomAD compares: African/African-American, 0.004%; no homozygotes.

Submissions (3):

Ambry Genetics
Classification: Uncertain significance for Inborn genetic diseases. Last evaluated: 2025-01-26. Review status: criteria provided, single submitter. Criteria: Ambry Variant Classification Scheme 2023. Collection method: clinical testing. Allele origin: germline.

Labcorp Genetics (formerly Invitae), Labcorp
Classification: Uncertain significance. Last evaluated: 2022-07-08. Review status: criteria provided, single submitter. Criteria: Invitae Variant Classification Sherloc (09022015). Collection method: clinical testing. Allele origin: germline.
Comment: This sequence change replaces glutamic acid, which is acidic and polar, with alanine, which is neutral and non-polar, at codon 120 of the VPS13A protein (p.Glu120Ala). This variant is present in population databases (rs768897133, gnomAD 0.004%). This variant has not been reported in the literature in individuals affected with VPS13A-related conditions. Algorithms developed to predict the effect of missense changes on protein structure and function (SIFT, PolyPhen-2, Align-GVGD) all suggest that this variant is likely to be tolerated. In summary, the available evidence is currently insufficient to determine the role of this variant in disease. Therefore, it has been classified as a Variant of Uncertain Significance.

Blueprint Genetics
Classification: Uncertain significance. Last evaluated: 2019-12-23. Review status: criteria provided, single submitter. Criteria: ACMG Guidelines, 2015. Collection method: clinical testing. Allele origin: germline.

NM_033305.3(VPS13A):c.359A>C (p.Glu120Ala)

Gene: VPS13A (vacuolar protein sorting 13 homolog A; plus strand). Cytogenetic location: 9q21.2.
Variant type: single nucleotide variant.
Coding change: c.359A>C on transcript NM_033305.3 (MANE Select); coding-DNA position 359, A replaced by C.
Protein change: p.Glu120Ala; replaces glutamic acid 120 with alanine.
Molecular consequence: missense variant.
Genome position (GRCh38, 1-based): chr9:77,206,053, A>C. VCF-style: chr9-77206053-A-C. GRCh37 (hg19) VCF-style: chr9-79820969-A-C.
Other names: c.359A>C, p.Glu120Ala (NM_001018037.2, NM_001018038.3, NM_015186.4); c.359A>C (NM_033305.2); short protein forms E120A.
Identifiers: ClinVar variation 2150519 (VCV002150519.5), dbSNP rs768897133, ClinGen allele CA5091319.